The following is an entry in ClinVar:

NM_001844.5(COL2A1):c.3436-3C>A

Gene: COL2A1 (collagen type II alpha 1 chain; minus strand). Cytogenetic location: 12q13.11.
Variant type: single nucleotide variant.
Coding change: c.3436-3C>A on transcript NM_001844.5 (MANE Select); 3 bases into the intron before coding-DNA position 3436, C replaced by A.
Molecular consequence: intron variant.
Genome position (GRCh38, 1-based): chr12:47,976,570, G>T on the plus strand (C>A on the coding strand, the complement: COL2A1 is on the minus strand). VCF-style: chr12-47976570-G-T. GRCh37 (hg19) VCF-style: chr12-48370353-G-T.
Other names: c.3229-3C>A (NM_033150.3).
Identifiers: ClinVar variation 3068460 (VCV003068460.3), dbSNP rs2136516960, ClinGen allele CA2563943668.

ClinVar aggregate classification (germline): Uncertain significance (1 of 4 stars; one submission).

Conditions:
Stickler syndrome type 1 (STL1). Also called: COL2A1-Related Stickler Syndrome; STICKLER SYNDROME, MEMBRANOUS VITREOUS TYPE; STICKLER SYNDROME, VITREOUS TYPE 1; ARTHROOPHTHALMOPATHY, HEREDITARY PROGRESSIVE. Identifiers: Orphanet 828, Orphanet 90653, MedGen C2020284, MONDO:0007160, OMIM 108300.

Submission:

Institute of Human Genetics, University of Leipzig Medical Center
Classification: Uncertain significance for Stickler syndrome type 1. Last evaluated: 2024-03-28. Review status: criteria provided, single submitter. Criteria: ACMG Guidelines, 2015. Collection method: clinical testing. Allele origin: paternal. Inheritance: Autosomal dominant inheritance. Affected: yes.
Comment: Criteria applied: PM2